The following is an entry in ClinVar:

NM_007194.4(CHEK2):c.1624G>A (p.Val542Met)

Gene: CHEK2 (checkpoint kinase 2; minus strand). Cytogenetic location: 22q12.1.
Variant type: single nucleotide variant.
Coding change: c.1624G>A on transcript NM_007194.4 (MANE Select); coding-DNA position 1624, G replaced by A.
Protein change: p.Val542Met; replaces valine 542 with methionine.
Molecular consequence: missense variant.
Genome position (GRCh38, 1-based): chr22:28,687,905, C>T on the plus strand (G>A on the coding strand, the complement: CHEK2 is on the minus strand). VCF-style: chr22-28687905-C-T. GRCh37 (hg19) VCF-style: chr22-29083893-C-T.
Other names: c.1753G>A, p.Val585Met (NM_001005735.3); c.961G>A, p.Val321Met (NM_001257387.3); c.1423G>A, p.Val475Met (NM_001349956.3); c.1537G>A, p.Val513Met (NM_145862.3); short protein forms V321M, V513M, V542M, V475M, V585M.
Identifiers: ClinVar variation 1776669 (VCV001776669.7), dbSNP rs2145736805, ClinGen allele CA411090975.
Genomic context (GRCh38, chr22:28,687,905, plus strand): 5'-AAGATGACAGAGTGAAAGAAGGTACATTTCTTTCGTGTTCAAACCACGGAGTTCACAACA[C>T]AGCAGCACACACAGCTGGGCGCTTTGTGGTCTCGGCACCCTCGGCTTCCCCTTCACGGGG-3'
Protein context (NP_009125.1, residues 532-543): TTKRPAVCAA[Val542Met]L

ClinVar aggregate classification (germline): Uncertain significance. Review status: criteria provided, multiple submitters, no conflicts (2 of 4 stars). 2 submissions from 2 submitters: Uncertain significance (2). Last evaluated 2022-10-24.

Conditions:
Hereditary cancer-predisposing syndrome. Also called: Neoplastic Syndromes, Hereditary; Tumor predisposition; Hereditary Cancer Syndrome; Hereditary neoplastic syndrome. Identifiers: Orphanet 140162, MedGen C0027672, MeSH D009386, MONDO:0015356.
Familial cancer of breast. Also called: BREAST CANCER, FAMILIAL; Hereditary breast cancer; hereditary breast carcinoma. Identifiers: Orphanet 227535, MedGen C0346153, MONDO:0016419, OMIM 114480. Disease mechanism: loss of function.

Submissions (2):

Labcorp Genetics (formerly Invitae), Labcorp
Classification: Uncertain significance for Familial cancer of breast. Last evaluated: 2022-10-24. Review status: criteria provided, single submitter. Criteria: Invitae Variant Classification Sherloc (09022015). Collection method: clinical testing. Allele origin: germline.
Comment: In summary, the available evidence is currently insufficient to determine the role of this variant in disease. Therefore, it has been classified as a Variant of Uncertain Significance. Algorithms developed to predict the effect of missense changes on protein structure and function (SIFT, PolyPhen-2, Align-GVGD) all suggest that this variant is likely to be tolerated. This variant has not been reported in the literature in individuals affected with CHEK2-related conditions. This variant is not present in population databases (gnomAD no frequency). This sequence change replaces valine, which is neutral and non-polar, with methionine, which is neutral and non-polar, at codon 542 of the CHEK2 protein (p.Val542Met).

Ambry Genetics
Classification: Uncertain significance for Hereditary cancer-predisposing syndrome. Last evaluated: 2020-09-08. Review status: criteria provided, single submitter. Criteria: Ambry Variant Classification Scheme 2023. Collection method: clinical testing. Allele origin: germline.
Comment: The p.V542M variant (also known as c.1624G>A), located in coding exon 14 of the CHEK2 gene, results from a G to A substitution at nucleotide position 1624. The valine at codon 542 is replaced by methionine, an amino acid with highly similar properties. This amino acid position is well conserved in available vertebrate species. In addition, this alteration is predicted to be tolerated by in silico analysis. Since supporting evidence is limited at this time, the clinical significance of this alteration remains unclear.